The following is an entry in ClinVar:

ClinVar aggregate classification (germline): Uncertain significance (1 of 4 stars; one submission).

Allele frequency attached by ClinVar (database versions not stated): gnomAD exomes below 0.00001.
gnomAD v4.1: 1 of 1,613,062 alleles (0.000062%); highest among the groups gnomAD compares: East Asian, 0.0022%; no homozygotes.

Submission:

Laboratorio de Genetica e Diagnostico Molecular, Hospital Israelita Albert Einstein
Classification: Uncertain significance. Last evaluated: 2020-02-21. Review status: criteria provided, single submitter. Criteria: ACMG Guidelines, 2015. Collection method: clinical testing. Allele origin: germline. Affected: yes.
Comment: ACMG classification criteria: PM2, BP4

NM_001374828.1(ARID1B):c.2925G>C (p.Gln975His)

Gene: ARID1B (AT-rich interaction domain 1B; plus strand). Cytogenetic location: 6q25.3.
Variant type: single nucleotide variant.
Coding change: c.2925G>C on transcript NM_001374828.1 (MANE Select); coding-DNA position 2925, G replaced by C.
Protein change: p.Gln975His; replaces glutamine 975 with histidine.
Molecular consequence: missense variant.
Genome position (GRCh38, 1-based): chr6:157,148,787, G>C. VCF-style: chr6-157148787-G-C. GRCh37 (hg19) VCF-style: chr6-157469921-G-C.
Other names: c.2715G>C (NM_020732.3); c.426G>C, p.Gln142His (NM_001363725.2); c.2964G>C, p.Gln988His (NM_001371656.1, NM_001374820.1); c.2925G>C, p.Gln975His (NM_017519.3); short protein forms Q142H, Q975H, Q988H.
Identifiers: ClinVar variation 1690817 (VCV001690817.2), dbSNP rs1789983128, ClinGen allele CA366388951.
Genomic context (GRCh38, chr6:157,148,787, plus strand): 5'-AGGGCCAAGCCAGCCATGTGGTGCTGTGCCCCTGGGACGAATGCCATCAGCTGGGATGCA[G>C]AACAGACCATTTCCTGGAAATATGAGCAGCATGACCCCCAGTTCTCCTGGCATGTCTCAG-3'
Protein context (NP_001361757.1, residues 965-985): PLGRMPSAGM[Gln975His]NRPFPGNMSS